The following is an entry in ClinVar:

ClinVar aggregate classification (germline): Uncertain significance (1 of 4 stars; one submission).

Submission:

Labcorp Genetics (formerly Invitae), Labcorp
Classification: Uncertain significance. Last evaluated: 2022-08-17. Review status: criteria provided, single submitter. Criteria: Invitae Variant Classification Sherloc (09022015). Collection method: clinical testing. Allele origin: germline.
Comment: This sequence change replaces glycine, which is neutral and non-polar, with valine, which is neutral and non-polar, at codon 175 of the NKX6-2 protein (p.Gly175Val). The frequency data for this variant in the population databases is considered unreliable, as metrics indicate poor data quality at this position in the gnomAD database. This variant has not been reported in the literature in individuals affected with NKX6-2-related conditions. Algorithms developed to predict the effect of missense changes on protein structure and function are either unavailable or do not agree on the potential impact of this missense change (SIFT: "Deleterious"; PolyPhen-2: "Probably Damaging"; Align-GVGD: "Class C0"). In summary, the available evidence is currently insufficient to determine the role of this variant in disease. Therefore, it has been classified as a Variant of Uncertain Significance.

NM_177400.3(NKX6-2):c.524G>T (p.Gly175Val)

Gene: NKX6-2 (NK6 homeobox 2; minus strand). Cytogenetic location: 10q26.3.
Variant type: single nucleotide variant.
Coding change: c.524G>T on transcript NM_177400.3 (MANE Select); coding-DNA position 524, G replaced by T.
Protein change: p.Gly175Val; replaces glycine 175 with valine.
Molecular consequence: missense variant.
Genome position (GRCh38, 1-based): chr10:132,785,335, C>A on the plus strand (G>T on the coding strand, the complement: NKX6-2 is on the minus strand). VCF-style: chr10-132785335-C-A. GRCh37 (hg19) VCF-style: chr10-134598839-C-A.
Other names: short protein forms G175V.
Identifiers: ClinVar variation 1968094 (VCV001968094.2), dbSNP rs1416766413, ClinGen allele CA378769686.
Genomic context (GRCh38, chr10:132,785,335, plus strand): 5'-CTCACCTTCACCTGGCTCTCGGTCATGCCCAGCGAGTAGGCGAGACGCGCGCGCTCCGGG[C>A]CCGCCAGGTACTTGGTCTGCTCGAAGGTTTTCTCCAGCGCGAAGATCTGCTGGCCCGAGA-3'
Protein context (NP_796374.2, residues 165-185): KTFEQTKYLA[Gly175Val]PERARLAYSL